The following is an entry in ClinVar:

NM_198253.3(TERT):c.1669C>G (p.Leu557Val)

Gene: TERT (telomerase reverse transcriptase; minus strand). Cytogenetic location: 5p15.33.
Variant type: single nucleotide variant.
Coding change: c.1669C>G on transcript NM_198253.3 (MANE Select); coding-DNA position 1669, C replaced by G.
Protein change: p.Leu557Val; replaces leucine 557 with valine.
Molecular consequence: missense variant. On other transcripts: non-coding transcript variant (2).
Genome position (GRCh38, 1-based): chr5:1,282,529, G>C on the plus strand (C>G on the coding strand, the complement: TERT is on the minus strand). VCF-style: chr5-1282529-G-C. GRCh37 (hg19) VCF-style: chr5-1282644-G-C.
Other names: c.1669C>G, p.Leu557Val (NM_001193376.3, NM_003219.1); short protein forms L557V.
Identifiers: ClinVar variation 2103082 (VCV002103082.4), dbSNP rs2478305529, ClinGen allele CA359083135.
Genomic context (GRCh38, chr5:1,282,529, plus strand): 5'-GGTAGAAAAAGAGCCTGTTCTTTTGAAACGTGGTCTCCGTGACATAAAAGAAAGACCTGA[G>C]CAGCTCGACGACGTACACACTCATCAGCCAGTGCAGGAACTTGGCCAGGATCTCCTCACG-3'
Protein context (NP_937983.2, residues 547-567): WLMSVYVVEL[Leu557Val]RSFFYVTETT

ClinVar aggregate classification (germline): Uncertain significance (1 of 4 stars; one submission).

Conditions:
Idiopathic Pulmonary Fibrosis. Also called: Idiopathic fibrosing alveolitis, chronic form; idiopathic fibrosing alveolitis. Identifiers: Orphanet 2032, MedGen C1800706, MeSH D054990, MONDO:0800504.
Dyskeratosis congenita, autosomal dominant 2. Identifiers: MedGen C3151443, MONDO:0013521, OMIM 613989.

Submission:

Labcorp Genetics (formerly Invitae), Labcorp
Classification: Uncertain significance for Dyskeratosis congenita, autosomal dominant 2; Idiopathic Pulmonary Fibrosis. Last evaluated: 2022-08-08. Review status: criteria provided, single submitter. Criteria: Invitae Variant Classification Sherloc (09022015). Collection method: clinical testing. Allele origin: germline.
Comment: In summary, the available evidence is currently insufficient to determine the role of this variant in disease. Therefore, it has been classified as a Variant of Uncertain Significance. Advanced modeling of protein sequence and biophysical properties (such as structural, functional, and spatial information, amino acid conservation, physicochemical variation, residue mobility, and thermodynamic stability) performed at Invitae indicates that this missense variant is expected to disrupt TERT protein function. This variant has not been reported in the literature in individuals affected with TERT-related conditions. This variant is not present in population databases (gnomAD no frequency). This sequence change replaces leucine, which is neutral and non-polar, with valine, which is neutral and non-polar, at codon 557 of the TERT protein (p.Leu557Val).